The following is an entry in ClinVar:

NM_020937.4(FANCM):c.2058A>C (p.Lys686Asn)

Gene: FANCM (FA complementation group M; plus strand). Cytogenetic location: 14q21.2.
Variant type: single nucleotide variant.
Coding change: c.2058A>C on transcript NM_020937.4 (MANE Select); coding-DNA position 2058, A replaced by C.
Protein change: p.Lys686Asn; replaces lysine 686 with asparagine.
Molecular consequence: missense variant.
Genome position (GRCh38, 1-based): chr14:45,170,644, A>C. VCF-style: chr14-45170644-A-C. GRCh37 (hg19) VCF-style: chr14-45639847-A-C.
Other names: c.1980A>C, p.Lys660Asn (NM_001308133.2); short protein forms K686N, K660N.
Identifiers: ClinVar variation 835489 (VCV000835489.10), dbSNP rs1888278178, ClinGen allele CA389595966.
Genomic context (GRCh38, chr14:45,170,644, plus strand): 5'-TATAGGAATGAGGCAAAGTAGCCTAAAGAAAGATTGGTTCTTATCAGAAGAAGAATTTAA[A>C]TTATGGAACAGACTTTATAGATTAAGGGACAGTGATGAAATTAAAGAGATAACATTGCCT-3'
Protein context (NP_065988.1, residues 676-696): KDWFLSEEEF[Lys686Asn]LWNRLYRLRD

ClinVar aggregate classification (germline): Uncertain significance. Review status: criteria provided, multiple submitters, no conflicts (2 of 4 stars). 2 submissions from 2 submitters: Uncertain significance (2). Last evaluated 2026-04-28.

Conditions:
Fanconi anemia (FA). Also called: Fanconi's anemia. Identifiers: Orphanet 84, MedGen C0015625, MeSH D005199, MONDO:0019391.
Inborn genetic diseases. Identifiers: MedGen C0950123, MeSH D030342.

Submissions (2):

Ambry Genetics
Classification: Uncertain significance for Inborn genetic diseases. Last evaluated: 2026-04-28. Review status: criteria provided, single submitter. Criteria: Ambry Variant Classification Scheme 2023. Collection method: clinical testing. Allele origin: germline.
Comment: The p.K686N variant (also known as c.2058A>C), located in coding exon 12 of the FANCM gene, results from an A to C substitution at nucleotide position 2058. The lysine at codon 686 is replaced by asparagine, an amino acid with similar properties. This amino acid position is conserved. In addition, this alteration is predicted to be tolerated by in silico analysis. Based on the available evidence, the clinical significance of this variant remains unclear.

Labcorp Genetics (formerly Invitae), Labcorp
Classification: Uncertain significance for Fanconi anemia. Last evaluated: 2019-11-18. Review status: criteria provided, single submitter. Criteria: Invitae Variant Classification Sherloc (09022015). Collection method: clinical testing. Allele origin: germline.
Comment: This variant has not been reported in the literature in individuals with FANCM-related conditions. In summary, the available evidence is currently insufficient to determine the role of this variant in disease. Therefore, it has been classified as a Variant of Uncertain Significance. Algorithms developed to predict the effect of missense changes on protein structure and function output the following: SIFT: "Tolerated"; PolyPhen-2: "Benign"; Align-GVGD: "Class C0". The asparagine amino acid residue is found in multiple mammalian species, suggesting that this missense change does not adversely affect protein function. These predictions have not been confirmed by published functional studies and their clinical significance is uncertain. This variant is not present in population databases (ExAC no frequency). This sequence change replaces lysine with asparagine at codon 686 of the FANCM protein (p.Lys686Asn). The lysine residue is weakly conserved and there is a moderate physicochemical difference between lysine and asparagine.